The following is an entry in ClinVar:

NM_001378778.1(MPDZ):c.4079T>A (p.Leu1360Ter)

Gene: MPDZ (multiple PDZ domain crumbs cell polarity complex component; minus strand). Cytogenetic location: 9p23.
Variant type: single nucleotide variant.
Coding change: c.4079T>A on transcript NM_001378778.1 (MANE Select); coding-DNA position 4079, T replaced by A.
Protein change: p.Leu1360Ter; replaces leucine 1360 with a stop codon.
Molecular consequence: nonsense.
Genome position (GRCh38, 1-based): chr9:13,138,078, A>T on the plus strand (T>A on the coding strand, the complement: MPDZ is on the minus strand). VCF-style: chr9-13138078-A-T. GRCh37 (hg19) VCF-style: chr9-13138077-A-T.
Other names: c.3980T>A, p.Leu1327Ter (NM_001261406.2, NM_001261407.2, NM_001375416.1 and 3 more transcripts); c.4079T>A, p.Leu1360Ter (NM_001330637.2, NM_001375413.1, NM_003829.5); c.3869T>A, p.Leu1290Ter (NM_001375420.1, NM_001375421.1, NM_001375422.1 and 4 more transcripts); c.3671T>A, p.Leu1224Ter (NM_001375427.1); short protein forms L1224*, L1290*, L1327*, L1360*.
Identifiers: ClinVar variation 2087661 (VCV002087661.4), dbSNP rs1947104738, ClinGen allele CA372949282.

ClinVar aggregate classification (germline): Pathogenic (1 of 4 stars; one submission).

Allele frequency attached by ClinVar (database versions not stated): TOPMed below 0.00001.

Submission:

Labcorp Genetics (formerly Invitae), Labcorp
Classification: Pathogenic. Last evaluated: 2022-03-09. Review status: criteria provided, single submitter. Criteria: Invitae Variant Classification Sherloc (09022015). Collection method: clinical testing. Allele origin: germline.
Comment: This sequence change creates a premature translational stop signal (p.Leu1360*) in the MPDZ gene. It is expected to result in an absent or disrupted protein product. Loss-of-function variants in MPDZ are known to be pathogenic (PMID: 23240096, 28556411). This variant is not present in population databases (gnomAD no frequency). This variant has not been reported in the literature in individuals affected with MPDZ-related conditions. For these reasons, this variant has been classified as Pathogenic.

Literature cited by the submitters: PubMed 23240096; PubMed 28556411.